The following is an entry in ClinVar:

NM_001371904.1(APOA5):c.442C>T (p.Gln148Ter)

Gene: APOA5 (apolipoprotein A5; minus strand). Cytogenetic location: 11q23.3.
Variant type: single nucleotide variant.
Coding change: c.442C>T on transcript NM_001371904.1 (MANE Select); coding-DNA position 442, C replaced by T.
Protein change: p.Gln148Ter; replaces glutamine 148 with a stop codon.
Molecular consequence: nonsense.
Genome position (GRCh38, 1-based): chr11:116,790,787, G>A on the plus strand (C>T on the coding strand, the complement: APOA5 is on the minus strand). VCF-style: chr11-116790787-G-A. GRCh37 (hg19) VCF-style: chr11-116661503-G-A.
Other names: c.442C>T, p.Gln148Ter (NM_001166598.2, NM_052968.5); short protein forms Q148*.
Identifiers: ClinVar variation 4914083 (VCV004914083.3).
Genomic context (GRCh38, chr11:116,790,787, plus strand): 5'-CGTCCACGCCCCCCAGCAACTGGGCCTTGGTGTCTTCCCCCACCACGCGCAACTGCTCCT[G>A]CAGCTCCTGCACGCGCAGGGCCACCTGCTCCATCAGATCCATCGTGTAGGGCTTCAGTTG-3'

ClinVar aggregate classification (germline): Pathogenic/Likely pathogenic. Review status: criteria provided, multiple submitters, no conflicts (2 of 4 stars). 2 submissions from 2 submitters: Pathogenic (1); Likely pathogenic (1). Last evaluated 2022-12-07.

Conditions:
APOA5-related disorder. Also called: APOA5-related condition.
Familial type 5 hyperlipoproteinemia. Also called: HYPERCHYLOMICRONEMIA WITH HYPERPREBETALIPOPROTEINEMIA, FAMILIAL; Hyperlipoproteinemia Type V. Identifiers: Orphanet 530849, MedGen C0020481, MONDO:0007762, OMIM 144650.
Hypertriglyceridemia 1. Also called: Hypertriglyceridemia, familial. Identifiers: MedGen C5444012, MONDO:0007788, OMIM 145750.

Submissions (2):

Blueprint Genetics
Classification: Pathogenic for APOA5-related disorders. Last evaluated: 2022-12-07. Review status: criteria provided, single submitter. Criteria: ACMG Guidelines, 2015. Collection method: clinical testing. Allele origin: germline. Affected: yes. Observed: 1 variant allele.

Juno Genomics, Hangzhou Juno Genomics, Inc
Classification: Likely pathogenic for Hypertriglyceridemia 1; Familial type 5 hyperlipoproteinemia. Review status: criteria provided, single submitter. Criteria: ACMG Guidelines, 2015. Collection method: clinical testing. Allele origin: germline.
Comment: Absent from controls (or at extremely low frequency if recessive) in Genome Aggregation Database.;Null variant in a gene where loss of function (LOF) is a known mechanism of disease.;Patient's phenotype or family history is highly specific for a disease with a single genetic etiology.